The following is an entry in ClinVar:

NM_003331.5(TYK2):c.3013C>T (p.Gln1005Ter)

Gene: TYK2 (tyrosine kinase 2; minus strand). Cytogenetic location: 19p13.2.
Variant type: single nucleotide variant.
Coding change: c.3013C>T on transcript NM_003331.5 (MANE Select); coding-DNA position 3013, C replaced by T.
Protein change: p.Gln1005Ter; replaces glutamine 1005 with a stop codon.
Molecular consequence: nonsense.
Genome position (GRCh38, 1-based): chr19:10,353,542, G>A on the plus strand (C>T on the coding strand, the complement: TYK2 is on the minus strand). VCF-style: chr19-10353542-G-A. GRCh37 (hg19) VCF-style: chr19-10464218-G-A.
Other names: c.3013C>T, p.Gln1005Ter (NM_001385197.1, NM_001385198.1, NM_001406461.1); c.2827C>T, p.Gln943Ter (NM_001385199.1); c.3010C>T, p.Gln1004Ter (NM_001385200.1); c.2815C>T, p.Gln939Ter (NM_001385201.1); c.2929C>T, p.Gln977Ter (NM_001385202.1); c.3094C>T, p.Gln1032Ter (NM_001385203.1); c.3223C>T, p.Gln1075Ter (NM_001385204.1); c.2923C>T, p.Gln975Ter (NM_001385205.1); and 2 more; short protein forms Q1075*, Q943*, Q963*, Q977*, Q939*, Q975*, Q1004*, Q1005*.
Identifiers: ClinVar variation 3720074 (VCV003720074.2).

ClinVar aggregate classification (germline): Pathogenic (1 of 4 stars; one submission).

Conditions:
Immunodeficiency 35 (IMD35). Also called: HIES WITH ATYPICAL MYCOBACTERIOSIS, AUTOSOMAL RECESSIVE; HYPER-IgE SYNDROME WITH ATYPICAL MYCOBACTERIOSIS, AUTOSOMAL RECESSIVE; Susceptibility to infection due to TYK2 deficiency; TYK2 DEFICIENCY. Identifiers: Orphanet 331226, MedGen C1969086, MONDO:0012682, OMIM 611521.

gnomAD v4.1: 1 of 1,499,322 alleles (0.000067%); highest among the groups gnomAD compares: Non-Finnish European, 0.000089%; no homozygotes.

Submission:

Labcorp Genetics (formerly Invitae), Labcorp
Classification: Pathogenic for Immunodeficiency 35. Last evaluated: 2024-10-03. Review status: criteria provided, single submitter. Criteria: Invitae Variant Classification Sherloc (09022015). Collection method: clinical testing. Allele origin: germline.
Comment: This sequence change creates a premature translational stop signal (p.Gln1005*) in the TYK2 gene. It is expected to result in an absent or disrupted protein product. Loss-of-function variants in TYK2 are known to be pathogenic (PMID: 22402565, 26304966). This variant is not present in population databases (gnomAD no frequency). This variant has not been reported in the literature in individuals affected with TYK2-related conditions. For these reasons, this variant has been classified as Pathogenic.

Literature cited by the submitters: PubMed 22402565; PubMed 26304966.